The following is an entry in ClinVar:

ClinVar aggregate classification (germline): Conflicting classifications of pathogenicity. Review status: criteria provided, conflicting classifications (1 of 4 stars). 5 submissions from 5 submitters: Uncertain significance (4); Likely benign (1). Last evaluated 2025-09-24.

Conditions:
Autosomal recessive nonsyndromic hearing loss 97. Also called: Deafness, autosomal recessive 97. Identifiers: Orphanet 90636, MedGen C4084709, MONDO:0014739, OMIM 616705.
Renal cell carcinoma. Identifiers: Orphanet 217071, MedGen C0007134, MeSH D002292, MONDO:0005086, HP:0005584.
Hereditary cancer-predisposing syndrome. Also called: Tumor predisposition; Hereditary Cancer Syndrome; Hereditary neoplastic syndrome; Neoplastic Syndromes, Hereditary. Identifiers: Orphanet 140162, MedGen C0027672, MeSH D009386, MONDO:0015356.

Allele frequency attached by ClinVar (database versions not stated): gnomAD exomes 0.00001; TOPMed 0.00001.
gnomAD v4.1: 6 of 1,614,058 alleles (0.00037%); highest among the groups gnomAD compares: East Asian, 0.0045%; no homozygotes.

Submissions (5):

Labcorp Genetics (formerly Invitae), Labcorp
Classification: Uncertain significance for Renal cell carcinoma. Last evaluated: 2025-09-24. Review status: criteria provided, single submitter. Criteria: Invitae Variant Classification Sherloc (09022015). Collection method: clinical testing. Allele origin: germline.
Comment: This sequence change replaces aspartic acid, which is acidic and polar, with histidine, which is basic and polar, at codon 270 of the MET protein (p.Asp270His). This variant is present in population databases (no rsID available, gnomAD 0.01%). This variant has not been reported in the literature in individuals affected with MET-related conditions. ClinVar contains an entry for this variant (Variation ID: 411915). Invitae Evidence Modeling of protein sequence and biophysical properties (such as structural, functional, and spatial information, amino acid conservation, physicochemical variation, residue mobility, and thermodynamic stability) indicates that this missense variant is not expected to disrupt MET protein function with a negative predictive value of 80%. In summary, the available evidence is currently insufficient to determine the role of this variant in disease. Therefore, it has been classified as a Variant of Uncertain Significance.

Center for Genomic Medicine, Rigshospitalet, Copenhagen University Hospital
Classification: Uncertain significance. Last evaluated: 2025-03-04. Review status: criteria provided, single submitter. Criteria: ACMG Guidelines, 2015. Collection method: clinical testing. Allele origin: germline.

GeneDx
Classification: Uncertain significance. Last evaluated: 2024-02-21. Review status: criteria provided, single submitter. Criteria: GeneDx Variant Classification Process June 2021. Collection method: clinical testing. Allele origin: germline. Affected: yes.
Comment: Not observed at significant frequency in large population cohorts (gnomAD); In silico analysis supports that this missense variant has a deleterious effect on protein structure/function; Has not been previously published as pathogenic or benign to our knowledge

Ambry Genetics
Classification: Likely benign for Hereditary cancer-predisposing syndrome. Last evaluated: 2023-08-18. Review status: criteria provided, single submitter. Criteria: Ambry Variant Classification Scheme 2023. Collection method: clinical testing. Allele origin: germline.

Baylor Genetics
Classification: Uncertain significance for Autosomal recessive nonsyndromic hearing loss 97. Last evaluated: 2023-07-27. Review status: criteria provided, single submitter. Criteria: ACMG Guidelines, 2015. Collection method: clinical testing. Allele origin: unknown.

NM_000245.4(MET):c.808G>C (p.Asp270His)

Gene: MET (MET proto-oncogene, receptor tyrosine kinase; plus strand). Cytogenetic location: 7q31.2.
Variant type: single nucleotide variant.
Coding change: c.808G>C on transcript NM_000245.4 (MANE Select); coding-DNA position 808, G replaced by C.
Protein change: p.Asp270His; replaces aspartic acid 270 with histidine.
Molecular consequence: missense variant. On other transcripts: intron variant (1).
Genome position (GRCh38, 1-based): chr7:116,699,892, G>C. VCF-style: chr7-116699892-G-C. GRCh37 (hg19) VCF-style: chr7-116339946-G-C.
Other names: c.808G>C, p.Asp270His (NM_001127500.3, NM_001324401.3); c.-91+27315G>C (NM_001324402.2); short protein forms D270H.
Identifiers: ClinVar variation 411915 (VCV000411915.19), dbSNP rs1060503542, ClinGen allele CA16612248.